The following is an entry in ClinVar:

ClinVar aggregate classification (germline): Uncertain significance (1 of 4 stars; one submission).

Conditions:
Myopathy, proximal, and ophthalmoplegia (CMYO6). Also called: INCLUSION BODY MYOPATHY 3, AUTOSOMAL DOMINANT; CONGENITAL MYOPATHY 6 WITH OPHTHALMOPLEGIA; MYOPATHY WITH CONGENITAL JOINT CONTRACTURES, OPHTHALMOPLEGIA, AND RIMMED VACUOLES. Identifiers: Orphanet 363677, Orphanet 79091, MedGen C1854106, MONDO:0011577, OMIM 605637.

Allele frequency attached by ClinVar (database versions not stated): gnomAD exomes below 0.00001 and 0.00002; ExAC 0.00002; gnomAD 0.00005 and 0.00006; TOPMed 0.00006.

Submission:

Labcorp Genetics (formerly Invitae), Labcorp
Classification: Uncertain significance for Myopathy, proximal, and ophthalmoplegia. Last evaluated: 2024-03-13. Review status: criteria provided, single submitter. Criteria: Invitae Variant Classification Sherloc (09022015). Collection method: clinical testing. Allele origin: germline.
Comment: This sequence change replaces asparagine, which is neutral and polar, with serine, which is neutral and polar, at codon 1240 of the MYH2 protein (p.Asn1240Ser). This variant is present in population databases (rs779830887, gnomAD 0.02%). This variant has not been reported in the literature in individuals affected with MYH2-related conditions. ClinVar contains an entry for this variant (Variation ID: 962959). Advanced modeling of protein sequence and biophysical properties (such as structural, functional, and spatial information, amino acid conservation, physicochemical variation, residue mobility, and thermodynamic stability) has been performed at Invitae for this missense variant, however the output from this modeling did not meet the statistical confidence thresholds required to predict the impact of this variant on MYH2 protein function. In summary, the available evidence is currently insufficient to determine the role of this variant in disease. Therefore, it has been classified as a Variant of Uncertain Significance.

NM_017534.6(MYH2):c.3719A>G (p.Asn1240Ser)

Genes: MYH2 (myosin heavy chain 2; minus strand), MYHAS (myosin heavy chain gene cluster antisense RNA; plus strand). Cytogenetic location: 17p13.1.
Variant type: single nucleotide variant.
Coding change: c.3719A>G on transcript NM_017534.6 (MANE Select); coding-DNA position 3719, A replaced by G.
Protein change: p.Asn1240Ser; replaces asparagine 1240 with serine.
Molecular consequence: missense variant.
Genome position (GRCh38, 1-based): chr17:10,528,715, T>C on the plus strand (A>G on the coding strand, the complement: MYH2 is on the minus strand). VCF-style: chr17-10528715-T-C. GRCh37 (hg19) VCF-style: chr17-10432032-T-C.
Other names: c.3719A>G, p.Asn1240Ser (NM_001100112.2); short protein forms N1240S.
Identifiers: ClinVar variation 962959 (VCV000962959.11), dbSNP rs779830887, ClinGen allele CA8390836.
Genomic context (GRCh38, chr17:10,528,715, plus strand): 5'-TATTTTCAATAACAATTTCCCAGAATTTGTAGTACCTTGGCTTTGGAGACCGTTTCTACA[T>C]TACTAGCAAGGTCATCAATCTCCATCTTCATCTCACTCTTCTCCTTCTCCAGCTTCTGCT-3'
Protein context (NP_060004.3, residues 1230-1250): MKMEIDDLAS[Asn1240Ser]VETVSKAKGN